The following is an entry in ClinVar:

ClinVar aggregate classification (germline): Uncertain significance (1 of 4 stars; one submission).

Allele frequency attached by ClinVar (database versions not stated): gnomAD exomes 0.00001 and 0.00004; ExAC 0.00002.
gnomAD v4.1: 11 of 1,614,128 alleles (0.00068%); highest among the groups gnomAD compares: Admixed American, 0.018%; no homozygotes.

Submission:

Labcorp Genetics (formerly Invitae), Labcorp
Classification: Uncertain significance. Last evaluated: 2023-11-28. Review status: criteria provided, single submitter. Criteria: Invitae Variant Classification Sherloc (09022015). Collection method: clinical testing. Allele origin: germline.
Comment: This sequence change replaces tyrosine, which is neutral and polar, with cysteine, which is neutral and slightly polar, at codon 218 of the KCNJ13 protein (p.Tyr218Cys). This variant is present in population databases (rs778399462, gnomAD 0.03%). This variant has not been reported in the literature in individuals affected with KCNJ13-related conditions. ClinVar contains an entry for this variant (Variation ID: 1506788). Advanced modeling of protein sequence and biophysical properties (such as structural, functional, and spatial information, amino acid conservation, physicochemical variation, residue mobility, and thermodynamic stability) performed at Invitae indicates that this missense variant is not expected to disrupt KCNJ13 protein function with a negative predictive value of 80%. In summary, the available evidence is currently insufficient to determine the role of this variant in disease. Therefore, it has been classified as a Variant of Uncertain Significance.

NM_002242.4(KCNJ13):c.653A>G (p.Tyr218Cys)

Genes: GIGYF2 (GRB10 interacting GYF protein 2; plus strand), KCNJ13 (potassium inwardly rectifying channel subfamily J member 13; minus strand). Cytogenetic location: 2q37.1.
Variant type: single nucleotide variant.
Coding change: c.653A>G on transcript NM_002242.4 (MANE Select); coding-DNA position 653, A replaced by G.
Protein change: p.Tyr218Cys; replaces tyrosine 218 with cysteine.
Molecular consequence: missense variant. On other transcripts: 3 prime UTR variant (1), intron variant (4).
Genome position (GRCh38, 1-based): chr2:232,768,621, T>C on the plus strand (A>G on the coding strand, the complement: KCNJ13 is on the minus strand). VCF-style: chr2-232768621-T-C. GRCh37 (hg19) VCF-style: chr2-233633331-T-C.
Other names: c.*132A>G (NM_001172416.1); c.413A>G, p.Tyr138Cys (NM_001172417.1); c.532+7185T>C (NM_001103146.3, NM_015575.4, NM_001103147.2 and 1 more transcripts); short protein forms Y218C, Y138C.
Identifiers: ClinVar variation 1506788 (VCV001506788.5), dbSNP rs778399462, ClinGen allele CA2170001.